The following is an entry in ClinVar:

NM_018474.6(KIZ):c.1187C>A (p.Pro396Gln)

Gene: KIZ (kizuna centrosomal protein; plus strand). Cytogenetic location: 20p11.23.
Variant type: single nucleotide variant.
Coding change: c.1187C>A on transcript NM_018474.6 (MANE Select); coding-DNA position 1187, C replaced by A.
Protein change: p.Pro396Gln; replaces proline 396 with glutamine.
Molecular consequence: missense variant.
Genome position (GRCh38, 1-based): chr20:21,162,994, C>A. VCF-style: chr20-21162994-C-A. GRCh37 (hg19) VCF-style: chr20-21143635-C-A.
Other names: c.878C>A, p.Pro293Gln (NM_001163022.3, NM_001352435.2); c.788C>A, p.Pro263Gln (NM_001163023.3); c.1040C>A, p.Pro347Gln (NM_001276389.2); c.1187C>A, p.Pro396Gln (NM_001352434.2); c.845C>A, p.Pro282Gln (NM_001352436.2); short protein forms P263Q, P282Q, P293Q, P347Q, P396Q.
Identifiers: ClinVar variation 1465035 (VCV001465035.6), dbSNP rs1437495174, ClinGen allele CA408493631.

ClinVar aggregate classification (germline): Uncertain significance (1 of 4 stars; one submission).

Submission:

Labcorp Genetics (formerly Invitae), Labcorp
Classification: Uncertain significance. Last evaluated: 2025-03-17. Review status: criteria provided, single submitter. Criteria: Invitae Variant Classification Sherloc (09022015). Collection method: clinical testing. Allele origin: germline.
Comment: This sequence change replaces proline, which is neutral and non-polar, with glutamine, which is neutral and polar, at codon 396 of the KIZ protein (p.Pro396Gln). This variant is not present in population databases (gnomAD no frequency). This variant has not been reported in the literature in individuals affected with KIZ-related conditions. ClinVar contains an entry for this variant (Variation ID: 1465035). Experimental studies and prediction algorithms are not available or were not evaluated, and the functional significance of this variant is currently unknown. In summary, the available evidence is currently insufficient to determine the role of this variant in disease. Therefore, it has been classified as a Variant of Uncertain Significance.